The following is an entry in ClinVar:

ClinVar aggregate classification (germline): Likely benign. Review status: criteria provided, multiple submitters, no conflicts (2 of 4 stars). 2 submissions from 2 submitters: Likely benign (2). Last evaluated 2026-01-01.

Conditions:
Skeletal overgrowth-craniofacial dysmorphism-hyperelastic skin-white matter lesions syndrome. Also called: SKELETAL OVERGROWTH WITH FACIAL DYSMORPHISM, HYPERELASTIC SKIN, WHITE MATTER LESIONS, AND NEUROLOGIC DETERIORATION; Kosaki overgrowth syndrome. Identifiers: Orphanet 477831, MedGen C4225270, MONDO:0014704, OMIM 616592.
Infantile myofibromatosis (IMF). Also called: Congenital generalized fibromatosis. Identifiers: Orphanet 2591, MedGen C0432284, MONDO:0016824.
Basal ganglia calcification, idiopathic, 4 (PFBC4). Also called: Familial Idiopathic Basal Ganglia Calcification 4; PRIMARY FAMILIAL BRAIN CALCIFICATION 4, AUTOSOMAL DOMINANT. Identifiers: Orphanet 1980, MedGen C3554321, MONDO:0014004, OMIM 615007.
Acroosteolysis-keloid-like lesions-premature aging syndrome. Also called: Premature aging syndrome, Penttinen type; Prematurely aged appearance, delayed bone maturation, acro-osteolysis, and brachydactyly; Progeroid syndrome, Penttinen type. Identifiers: Orphanet 363665, MedGen C1866182, MONDO:0011150, OMIM 601812.

gnomAD v4.1: 140 of 1,613,580 alleles (0.0087%); highest among the groups gnomAD compares: Non-Finnish European, 0.011%; no homozygotes.

Submissions (2):

CeGaT Center for Human Genetics Tuebingen
Classification: Likely benign. Last evaluated: 2026-01-01. Review status: criteria provided, single submitter. Criteria: CeGaT Center For Human Genetics Tuebingen Variant Classification Criteria Version 2. Collection method: clinical testing. Allele origin: germline. Affected: yes. Observed: 1 variant allele.
Comment: PDGFRB: BP4

Labcorp Genetics (formerly Invitae), Labcorp
Classification: Likely benign for Basal ganglia calcification, idiopathic, 4; Skeletal overgrowth-craniofacial dysmorphism-hyperelastic skin-white matter lesions syndrome; Infantile myofibromatosis; Acroosteolysis-keloid-like lesions-premature aging syndrome. Last evaluated: 2025-07-23. Review status: criteria provided, single submitter. Criteria: Invitae Variant Classification Sherloc (09022015). Collection method: clinical testing. Allele origin: germline.

NM_002609.4(PDGFRB):c.1385C>T (p.Pro462Leu)

Gene: PDGFRB (platelet derived growth factor receptor beta; minus strand). Cytogenetic location: 5q32.
Variant type: single nucleotide variant.
Coding change: c.1385C>T on transcript NM_002609.4 (MANE Select); coding-DNA position 1385, C replaced by T.
Protein change: p.Pro462Leu; replaces proline 462 with leucine.
Molecular consequence: missense variant.
Genome position (GRCh38, 1-based): chr5:150,129,951, G>A on the plus strand (C>T on the coding strand, the complement: PDGFRB is on the minus strand). VCF-style: chr5-150129951-G-A. GRCh37 (hg19) VCF-style: chr5-149509514-G-A.
Other names: c.1193C>T, p.Pro398Leu (NM_001355016.2); c.902C>T, p.Pro301Leu (NM_001355017.2); short protein forms P301L, P398L, P462L.
Identifiers: ClinVar variation 3752297 (VCV003752297.6).
Genomic context (GRCh38, chr5:150,129,951, plus strand): 5'-TACGTCACGTTAGTCTCCAGCTGGCTCTCCTCTTCGGAACTGTTCCCCAGCAGCGTGGGC[G>A]GCAGCTCACGTGGACACCTGCCAGGAGAGCCGGTAGGGTTGGCTGCCAGCCCCTTCCCCT-3'
Protein context (NP_002600.1, residues 452-472): RDLKRCPREL[Pro462Leu]PTLLGNSSEE